The following is an entry in ClinVar:

ClinVar aggregate classification (germline): Uncertain significance. Review status: criteria provided, multiple submitters, no conflicts (2 of 4 stars). 2 submissions from 2 submitters: Uncertain significance (2). Last evaluated 2025-08-13.

Conditions:
Aortic aneurysm, familial thoracic 4 (AAT4). Also called: AORTIC ANEURYSM/AORTIC DISSECTION AND PATENT DUCTUS ARTERIOSUS. Identifiers: MedGen C1851504, MONDO:0007568, OMIM 132900.

gnomAD v4.1: 15 of 1,610,184 alleles (0.00093%); highest among the groups gnomAD compares: Middle Eastern, 0.017%; no homozygotes.

Submissions (2):

Labcorp Genetics (formerly Invitae), Labcorp
Classification: Uncertain significance for Aortic aneurysm, familial thoracic 4. Last evaluated: 2025-08-13. Review status: criteria provided, single submitter. Criteria: Invitae Variant Classification Sherloc (09022015). Collection method: clinical testing. Allele origin: germline.
Comment: This sequence change replaces proline, which is neutral and non-polar, with arginine, which is basic and polar, at codon 1938 of the MYH11 protein (p.Pro1938Arg). This variant is present in population databases (no rsID available, gnomAD 0.003%). This missense change has been observed in individual(s) with autosomal dominant MYH11-related conditions (PMID: 36517271). This variant is also known as c.5792C>G:p.Pro1931Arg. ClinVar contains an entry for this variant (Variation ID: 1318944). An algorithm developed to predict the effect of missense changes on protein structure and function (PolyPhen-2) suggests that this variant is likely to be tolerated. In summary, the available evidence is currently insufficient to determine the role of this variant in disease. Therefore, it has been classified as a Variant of Uncertain Significance.

GeneDx
Classification: Uncertain significance. Last evaluated: 2019-03-29. Review status: criteria provided, single submitter. Criteria: GeneDx Variant Classification Process June 2021. Collection method: clinical testing. Allele origin: germline. Affected: yes.
Comment: Has not been previously published as pathogenic or benign to our knowledge; In silico analysis, which includes splice predictors and evolutionary conservation, supports that this variant does not alter protein structure/function; Not observed at a significant frequency in large population cohorts (Lek et al., 2016)

Literature cited by the submitters: PubMed 36517271 (cited by Labcorp Genetics (formerly Invitae), Labcorp).

NM_001040113.2(MYH11):c.5813C>G (p.Pro1938Arg)

Genes: NDE1 (nudE neurodevelopment protein 1; plus strand), MYH11 (myosin heavy chain 11; minus strand). Cytogenetic location: 16p13.11.
Variant type: single nucleotide variant.
Coding change: c.5813C>G on transcript NM_001040113.2 (MANE Plus Clinical); coding-DNA position 5813, C replaced by G.
Protein change: p.Pro1938Arg; replaces proline 1938 with arginine.
Molecular consequence: missense variant. On other transcripts: intron variant (4).
Genome position (GRCh38, 1-based): chr16:15,708,836, G>C on the plus strand (C>G on the coding strand, the complement: MYH11 is on the minus strand). VCF-style: chr16-15708836-G-C. GRCh37 (hg19) VCF-style: chr16-15802693-G-C.
Other names: c.5792C>G, p.Pro1931Arg (NM_022844.3); c.947+11976G>C (NM_001143979.2, NM_017668.3); c.5787-4713C>G (NM_002474.3); c.5808-4713C>G (NM_001040114.2); short protein forms P1931R, P1938R.
Identifiers: ClinVar variation 1318944 (VCV001318944.7), dbSNP rs765030635, ClinGen allele CA394844714.